The following is an entry in ClinVar:

NM_144997.7(FLCN):c.1623G>T (p.Ala541=)

Gene: FLCN (folliculin; minus strand). Cytogenetic location: 17p11.2.
Variant type: single nucleotide variant.
Coding change: c.1623G>T on transcript NM_144997.7 (MANE Select); coding-DNA position 1623, G replaced by T.
Protein change: p.Ala541=; no amino-acid change (alanine 541 retained).
Molecular consequence: synonymous variant.
Genome position (GRCh38, 1-based): chr17:17,213,772, C>A on the plus strand (G>T on the coding strand, the complement: FLCN is on the minus strand). VCF-style: chr17-17213772-C-A. GRCh37 (hg19) VCF-style: chr17-17117086-C-A.
Other names: c.1677G>T, p.Ala559= (NM_001353229.2); c.1623G>T, p.Ala541= (NM_001353230.2, NM_001353231.2).
Identifiers: ClinVar variation 1776654 (VCV001776654.8), dbSNP rs185419942, ClinGen allele CA498163100.
Genomic context (GRCh38, chr17:17,213,772, plus strand): 5'-GTAGGTCTTGCTCAGGCCAGTCATCCAGAACTTCAGCAGCTTGACATTGTCCTCCTCGGA[C>A]GCACCCAGGATGCTCAGCAGCTTCTGTGTGTCCTCTTTGGGTCGACTGTCCACCTTGGTG-3'
Protein context (NP_659434.2, residues 531-551): DTQKLLSILG[Ala541=]SEEDNVKLLK

ClinVar aggregate classification (germline): Benign/Likely benign. Review status: criteria provided, multiple submitters, no conflicts (2 of 4 stars). 3 submissions from 3 submitters: Benign (1); Likely benign (2). Last evaluated 2024-10-28.

Conditions:
Birt-Hogg-Dube syndrome. Also called: Birt Hogg Dubé syndrome. Identifiers: Orphanet 122, MedGen C0346010, MONDO:0800444.
Birt-Hogg-Dube syndrome 1 (BHD1). Also called: FIBROFOLLICULOMAS WITH TRICHODISCOMAS AND ACROCHORDONS. Identifiers: Orphanet 122, MedGen CN375946, MONDO:0800445, OMIM 135150.
Hereditary cancer-predisposing syndrome. Also called: Tumor predisposition; Neoplastic Syndromes, Hereditary; Hereditary Cancer Syndrome; Hereditary neoplastic syndrome. Identifiers: Orphanet 140162, MedGen C0027672, MeSH D009386, MONDO:0015356.

gnomAD v4.1: 1 of 1,614,248 alleles (0.000062%); highest among the groups gnomAD compares: Admixed American, 0.0017%; no homozygotes.

Submissions (3):

Myriad Genetics, Inc.
Classification: Benign for Birt-Hogg-Dube syndrome 1. Last evaluated: 2024-10-28. Review status: criteria provided, single submitter. Criteria: Myriad Autosomal Dominant, Autosomal Recessive and X-Linked Classification Criteria (2023). Collection method: clinical testing. Allele origin: unknown.
Comment: This variant is considered benign. This variant is a silent/synonymous amino acid change and it is not expected to impact splicing.

Labcorp Genetics (formerly Invitae), Labcorp
Classification: Likely benign for Birt-Hogg-Dube syndrome. Last evaluated: 2022-08-31. Review status: criteria provided, single submitter. Criteria: Invitae Variant Classification Sherloc (09022015). Collection method: clinical testing. Allele origin: germline.

Ambry Genetics
Classification: Likely benign for Hereditary cancer-predisposing syndrome. Last evaluated: 2019-10-26. Review status: criteria provided, single submitter. Criteria: Ambry Variant Classification Scheme 2023. Collection method: clinical testing. Allele origin: germline.